The following is an entry in ClinVar:

NM_145691.4(ATPAF2):c.35G>A (p.Gly12Glu)

Gene: ATPAF2 (ATP synthase mitochondrial F1 complex assembly factor 2; minus strand). Cytogenetic location: 17p11.2.
Variant type: single nucleotide variant.
Coding change: c.35G>A on transcript NM_145691.4 (MANE Select); coding-DNA position 35, G replaced by A.
Protein change: p.Gly12Glu; replaces glycine 12 with glutamic acid.
Molecular consequence: missense variant.
Genome position (GRCh38, 1-based): chr17:18,038,979, C>T on the plus strand (G>A on the coding strand, the complement: ATPAF2 is on the minus strand). VCF-style: chr17-18038979-C-T. GRCh37 (hg19) VCF-style: chr17-17942293-C-T.
Other names: p.G12E:GGA>GAA; p.Gly12Glu; short protein forms G12E.
Identifiers: ClinVar variation 136469 (VCV000136469.14), dbSNP rs149036879, ClinGen allele CA289608.

ClinVar aggregate classification (germline): Benign. Review status: criteria provided, multiple submitters, no conflicts (2 of 4 stars). 4 submissions from 4 submitters: Benign (4). Last evaluated 2026-01-15.

Conditions:
Mitochondrial complex V (ATP synthase) deficiency, nuclear type 1. Also called: MITOCHONDRIAL COMPLEX V (ATP SYNTHASE) DEFICIENCY, ATPAF2 TYPE; Nuclear-Encoded ATPase Deficiency, ATPAF2-Related. Identifiers: Orphanet 254913, MedGen C3276276, MONDO:0011421, OMIM 604273.

Allele frequency attached by ClinVar (database versions not stated): ESP Exome Variant Server 0.00023; gnomAD 0.00167 and 0.00217; TOPMed 0.00170; gnomAD exomes 0.00379; ExAC 0.00461; 1000 Genomes Project 0.00899; 1000 Genomes Project 30x 0.00921.
gnomAD v4.1: 2,677 of 1,612,348 alleles (0.17%); highest among the groups gnomAD compares: East Asian, 2.7%; 27 homozygotes.

Submissions (4):

Labcorp Genetics (formerly Invitae), Labcorp
Classification: Benign. Last evaluated: 2026-01-15. Review status: criteria provided, single submitter. Criteria: Invitae Variant Classification Sherloc (09022015). Collection method: clinical testing. Allele origin: germline.

Mayo Clinic Laboratories, Mayo Clinic
Classification: Benign. Last evaluated: 2019-10-07. Review status: criteria provided, single submitter. Criteria: ACMG Guidelines, 2015. Collection method: clinical testing. Allele origin: germline. Observed: 5 variant alleles.

Illumina Laboratory Services, Illumina
Classification: Benign for Mitochondrial complex V (ATP synthase) deficiency, nuclear type 1. Last evaluated: 2018-01-13. Review status: criteria provided, single submitter. Criteria: ICSL Variant Classification Criteria 13 December 2019. Collection method: clinical testing. Allele origin: germline.
Comment: This variant was observed in the ICSL laboratory as part of a predisposition screen in an ostensibly healthy population. It had not been previously curated by ICSL or reported in the Human Gene Mutation Database (HGMD: prior to June 1st, 2018), and was therefore a candidate for classification through an automated scoring system. Utilizing variant allele frequency, disease prevalence and penetrance estimates, and inheritance mode, an automated score was calculated to assess if this variant is too frequent to cause the disease. Based on the score and internal cut-off values, a variant classified as benign is not then subjected to further curation. The score for this variant resulted in a classification of benign for this disease.

GeneDx
Classification: Benign. Last evaluated: 2013-04-12. Review status: criteria provided, single submitter. Criteria: GeneDx Variant Classification (06012015). Collection method: clinical testing. Allele origin: germline. Affected: yes.
Comment: This variant is considered likely benign or benign based on one or more of the following criteria: it is a conservative change, it occurs at a poorly conserved position in the protein, it is predicted to be benign by multiple in silico algorithms, and/or has population frequency not consistent with disease.